The following is an entry in ClinVar:

ClinVar aggregate classification (germline): Uncertain significance (1 of 4 stars; one submission).

Conditions:
Intellectual developmental disorder, autosomal dominant 63, with macrocephaly. Also called: MENTAL RETARDATION, AUTOSOMAL DOMINANT 63, WITH MACROCEPHALY. Identifiers: MedGen C5394205, MONDO:0032939, OMIM 618825.

Submission:

Pittsburgh Clinical Genomics Laboratory, University of Pittsburgh Medical Center
Classification: Uncertain significance for Intellectual developmental disorder, autosomal dominant 63, with macrocephaly. Last evaluated: 2023-04-25. Review status: criteria provided, single submitter. Criteria: ACMG Guidelines, 2015. Collection method: clinical testing. Allele origin: germline. Inheritance: Autosomal dominant inheritance. Affected: yes.
Comment: This sequence variant is an in-frame duplications of 9 nucleotides spanning coding positions 6967 through 6978 of the TRIO gene which results in duplication of amino acid residues 2323 through 2326 of the TRIO protein. This novel variant has not been reported in clinical genetics databases or observed in the medical literature in individuals with TRIO-related disease, to our knowledge. This variant is absent from the gnomAD population database (0/~250000 alleles). The duplicated amino acids are not within a known TRIO functiol domain (UniProt). Functiol studies testing the effects of this variant have not been performed, to our knowledge. At this time, there is insufficient evidence to determine if this variant is pathogenic or benign. Therefore, we consider it to be a variant of uncertain significance. ACMG Criteria: BP3, PM2, PM4

NM_007118.4(TRIO):c.6967_6978dup (p.Ser2326_Cys2327insGlyProSerSer)

Gene: TRIO (trio Rho guanine nucleotide exchange factor; plus strand). Cytogenetic location: 5p15.2.
Variant type: Duplication.
Coding change: c.6967_6978dup on transcript NM_007118.4 (MANE Select); coding-DNA positions 6967 to 6978, 12 bases duplicated (GGCCCCAGCAGC).
Protein change: p.Ser2326_Cys2327insGlyProSerSer.
Molecular consequence: non-coding transcript variant (on NR_134469.2).
Genome position (GRCh38, 1-based): chr5:14,487,595-14,487,606, GGCCCCAGCAGC duplicated; duplicating any 12 consecutive bases within chr5:14,487,593-14,487,606 gives the same sequence; the c. name uses the placement nearest the transcript's 3' end. VCF-style (leftmost placement, unchanged base first): chr5-14487592-G-GGCGGCCCCAGCA. GRCh37 (hg19) VCF-style: chr5-14487701-G-GGCGGCCCCAGCA.
Identifiers: ClinVar variation 3376333 (VCV003376333.1).
Genomic context (GRCh38, chr5:14,487,592, plus strand): 5'-AGCGGCGGGGGTGGGGGCAGCGGCGGCGGCGGGGCCCCCAGTGGCGGCAGCGGCCACAGT[G>GGCGGCCCCAGCA]GCGGCCCCAGCAGCTGCGGCGGCGCCCCCAGCACGAGCAGGAGCCGGCCCTCCCGGATCC-3'